The following is an entry in ClinVar:

NM_080680.3(COL11A2):c.1820G>A (p.Gly607Glu)

Gene: COL11A2 (collagen type XI alpha 2 chain; minus strand). Cytogenetic location: 6p21.32.
Variant type: single nucleotide variant.
Coding change: c.1820G>A on transcript NM_080680.3 (MANE Select); coding-DNA position 1820, G replaced by A.
Protein change: p.Gly607Glu; replaces glycine 607 with glutamic acid.
Molecular consequence: missense variant.
Genome position (GRCh38, 1-based): chr6:33,178,184, C>T on the plus strand (G>A on the coding strand, the complement: COL11A2 is on the minus strand). VCF-style: chr6-33178184-C-T. GRCh37 (hg19) VCF-style: chr6-33145961-C-T.
Other names: c.1640G>A, p.Gly547Glu (NM_001424108.1); c.974G>A, p.Gly325Glu (NM_001424109.1); c.794G>A, p.Gly265Glu (NM_001424110.1, NM_001424111.1); c.1499G>A, p.Gly500Glu (NM_080679.3); c.1562G>A, p.Gly521Glu (NM_080681.3); c.1820G>A (NM_080680.2); short protein forms G265E, G521E, G325E, G607E, G500E, G547E.
Identifiers: ClinVar variation 3683207 (VCV003683207.3).

ClinVar aggregate classification (germline): Uncertain significance. Review status: criteria provided, multiple submitters, no conflicts (2 of 4 stars). 2 submissions from 2 submitters: Uncertain significance (2). Last evaluated 2025-08-09.

Conditions:
Inborn genetic diseases. Identifiers: MedGen C0950123, MeSH D030342.

gnomAD v4.1: 1 of 1,611,994 alleles (0.000062%); highest among the groups gnomAD compares: Non-Finnish European, 0.000085%; no homozygotes.

Submissions (2):

Ambry Genetics
Classification: Uncertain significance for Inborn genetic diseases. Last evaluated: 2025-08-09. Review status: criteria provided, single submitter. Criteria: Ambry Variant Classification Scheme 2023. Collection method: clinical testing. Allele origin: germline.

Labcorp Genetics (formerly Invitae), Labcorp
Classification: Uncertain significance. Last evaluated: 2024-10-19. Review status: criteria provided, single submitter. Criteria: Invitae Variant Classification Sherloc (09022015). Collection method: clinical testing. Allele origin: germline.
Comment: This sequence change replaces glycine, which is neutral and non-polar, with glutamic acid, which is acidic and polar, at codon 607 of the COL11A2 protein (p.Gly607Glu). This variant is not present in population databases (gnomAD no frequency). This variant has not been reported in the literature in individuals affected with COL11A2-related conditions. An algorithm developed to predict the effect of missense changes on protein structure and function (PolyPhen-2) suggests that this variant is likely to be disruptive. In summary, the available evidence is currently insufficient to determine the role of this variant in disease. Therefore, it has been classified as a Variant of Uncertain Significance.